The following is an entry in ClinVar:

ClinVar aggregate classification (germline): Uncertain significance (1 of 4 stars; one submission).

Allele frequency attached by ClinVar (database versions not stated): gnomAD exomes below 0.00001.
gnomAD v4.1: 4 of 1,614,214 alleles (0.00025%); highest among the groups gnomAD compares: Non-Finnish European, 0.000085%; no homozygotes.

Submission:

Ambry Genetics
Classification: Uncertain significance. Last evaluated: 2021-12-22. Review status: criteria provided, single submitter. Criteria: Ambry Variant Classification Scheme 2023. Collection method: clinical testing. Allele origin: germline.
Comment: The p.N449H variant (also known as c.1345A>C), located in coding exon 13 of the NPAT gene, results from an A to C substitution at nucleotide position 1345. The asparagine at codon 449 is replaced by histidine, an amino acid with similar properties. This amino acid position is conserved. In addition, this alteration is predicted to be tolerated by in silico analysis. Since supporting evidence is limited at this time, the clinical significance of this alteration remains unclear.

NM_002519.3(NPAT):c.1345A>C (p.Asn449His)

Gene: NPAT (nuclear protein, coactivator of histone transcription; minus strand). Cytogenetic location: 11q22.3.
Variant type: single nucleotide variant.
Coding change: c.1345A>C on transcript NM_002519.3 (MANE Select); coding-DNA position 1345, A replaced by C.
Protein change: p.Asn449His; replaces asparagine 449 with histidine.
Molecular consequence: missense variant.
Genome position (GRCh38, 1-based): chr11:108,173,639, T>G on the plus strand (A>C on the coding strand, the complement: NPAT is on the minus strand). VCF-style: chr11-108173639-T-G. GRCh37 (hg19) VCF-style: chr11-108044366-T-G.
Other names: c.1345A>C, p.Asn449His (NM_001321307.1); short protein forms N449H.
Identifiers: ClinVar variation 1770449 (VCV001770449.2), dbSNP rs2496721646, ClinGen allele CA382515543.